The following is an entry in ClinVar:

ClinVar aggregate classification (germline): Likely benign (1 of 4 stars; one submission).

Allele frequency attached by ClinVar (database versions not stated): TOPMed below 0.00001; gnomAD exomes 0.00001; ExAC 0.00002.
gnomAD v4.1: 18 of 1,613,936 alleles (0.0011%); highest among the groups gnomAD compares: Middle Eastern, 0.016%; no homozygotes.

Submission:

CeGaT Center for Human Genetics Tuebingen
Classification: Likely benign. Last evaluated: 2024-02-01. Review status: criteria provided, single submitter. Criteria: CeGaT Center For Human Genetics Tuebingen Variant Classification Criteria Version 2. Collection method: clinical testing. Allele origin: germline. Affected: yes. Observed: 1 variant allele.
Comment: ABCB6: BP4

NM_005689.4(ABCB6):c.1276+7G>A

Gene: ABCB6 (ATP binding cassette subfamily B member 6 (LAN blood group); minus strand). Cytogenetic location: 2q35.
Variant type: single nucleotide variant.
Coding change: c.1276+7G>A on transcript NM_005689.4 (MANE Select); 7 bases into the intron after coding-DNA position 1276, G replaced by A.
Molecular consequence: intron variant.
Genome position (GRCh38, 1-based): chr2:219,214,954, C>T on the plus strand (G>A on the coding strand, the complement: ABCB6 is on the minus strand). VCF-style: chr2-219214954-C-T. GRCh37 (hg19) VCF-style: chr2-220079676-C-T.
Other names: c.1138+7G>A (NM_001349828.2).
Identifiers: ClinVar variation 3025236 (VCV003025236.22), dbSNP rs750110093, ClinGen allele CA2119478.